The following is an entry in ClinVar:

ClinVar aggregate classification (germline): Uncertain significance (1 of 4 stars; one submission).

Submission:

Ambry Genetics
Classification: Uncertain significance. Last evaluated: 2023-09-27. Review status: criteria provided, single submitter. Criteria: Ambry Variant Classification Scheme 2023. Collection method: clinical testing. Allele origin: germline.
Comment: The p.R2704K variant (also known as c.8111G>A), located in coding exon 59 of the PRKDC gene, results from a G to A substitution at nucleotide position 8111. The arginine at codon 2704 is replaced by lysine, an amino acid with highly similar properties. This amino acid position is conserved. Since supporting evidence is limited at this time, the clinical significance of this alteration remains unclear.

NM_006904.7(PRKDC):c.8111G>A (p.Arg2704Lys)

Gene: PRKDC (protein kinase, DNA-activated, catalytic subunit; minus strand). Cytogenetic location: 8q11.21.
Variant type: single nucleotide variant.
Coding change: c.8111G>A on transcript NM_006904.7 (MANE Select); coding-DNA position 8111, G replaced by A.
Protein change: p.Arg2704Lys; replaces arginine 2704 with lysine.
Molecular consequence: missense variant.
Genome position (GRCh38, 1-based): chr8:47,834,237, C>T on the plus strand (G>A on the coding strand, the complement: PRKDC is on the minus strand). VCF-style: chr8-47834237-C-T. GRCh37 (hg19) VCF-style: chr8-48746798-C-T.
Other names: c.8111G>A, p.Arg2704Lys (NM_001081640.2); short protein forms R2704K.
Identifiers: ClinVar variation 3225918 (VCV003225918.1), dbSNP rs2551867054, ClinGen allele CA371149236.